The following is an entry in ClinVar:

ClinVar aggregate classification (germline): Uncertain significance (1 of 4 stars; one submission).

gnomAD v4.1: 1 of 1,613,756 alleles (0.000062%); highest among the groups gnomAD compares: Non-Finnish European, 0.000085%; no homozygotes.

Submission:

Labcorp Genetics (formerly Invitae), Labcorp
Classification: Uncertain significance. Last evaluated: 2022-07-06. Review status: criteria provided, single submitter. Criteria: Invitae Variant Classification Sherloc (09022015). Collection method: clinical testing. Allele origin: germline.
Comment: This sequence change replaces leucine, which is neutral and non-polar, with methionine, which is neutral and non-polar, at codon 2002 of the CDH23 protein (p.Leu2002Met). This variant is not present in population databases (gnomAD no frequency). This variant has not been reported in the literature in individuals affected with CDH23-related conditions. Algorithms developed to predict the effect of missense changes on protein structure and function are either unavailable or do not agree on the potential impact of this missense change (SIFT: "Deleterious"; PolyPhen-2: "Not Available"; Align-GVGD: "Class C0"). In summary, the available evidence is currently insufficient to determine the role of this variant in disease. Therefore, it has been classified as a Variant of Uncertain Significance.

NM_022124.6(CDH23):c.6004C>A (p.Leu2002Met)

Gene: CDH23 (cadherin related 23; plus strand). Cytogenetic location: 10q22.1.
Variant type: single nucleotide variant.
Coding change: c.6004C>A on transcript NM_022124.6 (MANE Select); coding-DNA position 6004, C replaced by A.
Protein change: p.Leu2002Met; replaces leucine 2002 with methionine.
Molecular consequence: missense variant.
Genome position (GRCh38, 1-based): chr10:71,790,368, C>A. VCF-style: chr10-71790368-C-A. GRCh37 (hg19) VCF-style: chr10-73550125-C-A.
Other names: short protein forms L2002M.
Identifiers: ClinVar variation 2160529 (VCV002160529.1), dbSNP rs756459547, ClinGen allele CA377150937.